The following is an entry in ClinVar:

ClinVar aggregate classification (germline): Uncertain significance (1 of 4 stars; one submission).

Allele frequency attached by ClinVar (database versions not stated): gnomAD exomes below 0.00001; ExAC 0.00001; TOPMed 0.00001.
gnomAD v4.1: 6 of 1,613,196 alleles (0.00037%); highest among the groups gnomAD compares: African/African-American, 0.0013%; no homozygotes.

Submission:

Labcorp Genetics (formerly Invitae), Labcorp
Classification: Uncertain significance. Last evaluated: 2023-11-22. Review status: criteria provided, single submitter. Criteria: Invitae Variant Classification Sherloc (09022015). Collection method: clinical testing. Allele origin: germline.
Comment: This sequence change replaces glutamic acid, which is acidic and polar, with lysine, which is basic and polar, at codon 260 of the HPS4 protein (p.Glu260Lys). This variant is present in population databases (rs767940026, gnomAD 0.007%). This variant has not been reported in the literature in individuals affected with HPS4-related conditions. An algorithm developed to predict the effect of missense changes on protein structure and function (PolyPhen-2) suggests that this variant is likely to be disruptive. In summary, the available evidence is currently insufficient to determine the role of this variant in disease. Therefore, it has been classified as a Variant of Uncertain Significance.

NM_022081.6(HPS4):c.778G>A (p.Glu260Lys)

Gene: HPS4 (HPS4 biogenesis of lysosomal organelles complex 3 subunit 2; minus strand). Cytogenetic location: 22q12.1.
Variant type: single nucleotide variant.
Coding change: c.778G>A on transcript NM_022081.6 (MANE Select); coding-DNA position 778, G replaced by A.
Protein change: p.Glu260Lys; replaces glutamic acid 260 with lysine.
Molecular consequence: missense variant. On other transcripts: non-coding transcript variant (8).
Genome position (GRCh38, 1-based): chr22:26,465,480, C>T on the plus strand (G>A on the coding strand, the complement: HPS4 is on the minus strand). VCF-style: chr22-26465480-C-T. GRCh37 (hg19) VCF-style: chr22-26861446-C-T.
Other names: c.778G>A, p.Glu260Lys (NM_001349896.1, NM_001349898.2, NM_001349899.2 and 5 more transcripts); c.832G>A, p.Glu278Lys (NM_001349900.2, NM_001349901.1); c.763G>A, p.Glu255Lys (NM_152841.2); short protein forms E255K, E260K, E278K.
Identifiers: ClinVar variation 2990538 (VCV002990538.3), dbSNP rs767940026, ClinGen allele CA10163496.